The following is an entry in ClinVar:

NM_001370259.2(MEN1):c.1672_1679del (p.Met558fs)

Gene: MEN1 (menin 1; minus strand). Cytogenetic location: 11q13.1.
Variant type: Deletion.
Coding change: c.1672_1679del on transcript NM_001370259.2 (MANE Select); coding-DNA positions 1672 to 1679, 8 bases deleted (ATGAAGGG; older notation c.1672_1679delATGAAGGG).
Protein change: p.Met558fs; shifts the reading frame from methionine 558.
Molecular consequence: frameshift variant.
Genome position (GRCh38, 1-based): chr11:64,804,488-64,804,495, CCCTTCAT deleted on the plus strand (ATGAAGGG on the coding strand, the reverse complement: MEN1 is on the minus strand); deleting any 8 consecutive bases within chr11:64,804,488-64,804,496 gives the same sequence; the c. name uses the placement nearest the transcript's 3' end. VCF-style (leftmost placement, unchanged base first): chr11-64804487-GCCCTTCAT-G. GRCh37 (hg19) VCF-style: chr11-64571959-GCCCTTCAT-G.
Other names: c.1687_1694del, p.Met563fs (NM_000244.4, NM_130800.3, NM_130801.3 and 3 more transcripts); c.1798_1805del, p.Met600fs (NM_001370251.2); c.1672_1679del, p.Met558fs (NM_001370260.2, NM_001370261.2, NM_130799.3); c.1567_1574del, p.Met523fs (NM_001370262.2, NM_001370263.2); short protein forms M563fs, M523fs, M558fs, M600fs.
Identifiers: ClinVar variation 859580 (VCV000859580.9), dbSNP rs1941501683, ClinGen allele CA916081642.
Genomic context (GRCh38, chr11:64,804,487, plus strand): 5'-CGTGAGTTGCAGCTTGATGGCGCTCGAGTTGATCTTGGTGGCCACCAGCAGCTCCTTCAT[GCCCTTCAT>G]CTTCTCACTCTGGAAAGTGAGCACTGGACCCTCCGGCGGTGGTGATGCTGTGGGTGCTGG-3'

ClinVar aggregate classification (germline): Pathogenic (1 of 4 stars; one submission).

Conditions:
Multiple endocrine neoplasia, type 1 (MEN1). Also called: MEN I; WERMER SYNDROME; MEA I; Endocrine adenomatosis multiple; MEN 1. Identifiers: Orphanet 652, MedGen C0025267, MeSH D018761, MONDO:0007540, OMIM 131100.

Submission:

Labcorp Genetics (formerly Invitae), Labcorp
Classification: Pathogenic for Multiple endocrine neoplasia, type 1. Last evaluated: 2019-03-27. Review status: criteria provided, single submitter. Criteria: Invitae Variant Classification Sherloc (09022015). Collection method: clinical testing. Allele origin: germline.
Comment: For these reasons, this variant has been classified as Pathogenic. This variant disrupts the C-terminus of the MEN1 protein. Other variant(s) that disrupt this region (p.Lys559Glufs*38) have been determined to be pathogenic (PMID: 10090472, Invitae). This suggests that variants that disrupt this region of the protein are likely to be causative of disease. This variant is not present in population databases (ExAC no frequency). This sequence change results in a premature translational stop signal in the MEN1 gene (p.Met558Hisfs*36). While this is not anticipated to result in nonsense mediated decay, it is expected to disrupt the last 53 amino acids of the MEN1 protein.

Literature cited by the submitters: PubMed 10090472.